The following is an entry in ClinVar:

NM_152783.5(D2HGDH):c.832G>A (p.Ala278Thr)

Gene: D2HGDH (D-2-hydroxyglutarate dehydrogenase; plus strand). Cytogenetic location: 2q37.3.
Variant type: single nucleotide variant.
Coding change: c.832G>A on transcript NM_152783.5 (MANE Select); coding-DNA position 832, G replaced by A.
Protein change: p.Ala278Thr; replaces alanine 278 with threonine.
Molecular consequence: missense variant. On other transcripts: non-coding transcript variant (1).
Genome position (GRCh38, 1-based): chr2:241,744,856, G>A. VCF-style: chr2-241744856-G-A. GRCh37 (hg19) VCF-style: chr2-242684271-G-A.
Other names: c.832G>A (NM_152783.3); c.430G>A, p.Ala144Thr (NM_001287249.2); c.271G>A, p.Ala91Thr (NM_001352824.2); short protein forms A144T, A91T, A278T.
Identifiers: ClinVar variation 1381995 (VCV001381995.5), dbSNP rs148920052, ClinGen allele CA2221771.

ClinVar aggregate classification (germline): Uncertain significance. Review status: criteria provided, multiple submitters, no conflicts (2 of 4 stars). 2 submissions from 2 submitters: Uncertain significance (2). Last evaluated 2025-01-09.

Conditions:
Inborn genetic diseases. Identifiers: MedGen C0950123, MeSH D030342.
D-2-hydroxyglutaric aciduria 1 (D2HGA1). Identifiers: Orphanet 79315, MedGen C3152055, MONDO:0024554, OMIM 600721.

Allele frequency attached by ClinVar (database versions not stated): gnomAD exomes 0.00001 and 0.00002; ExAC 0.00004; gnomAD 0.00007 and 0.00009; ESP Exome Variant Server 0.00008; TOPMed 0.00008.
gnomAD v4.1: 21 of 1,614,020 alleles (0.0013%); highest among the groups gnomAD compares: African/African-American, 0.028%; no homozygotes.

Submissions (2):

Ambry Genetics
Classification: Uncertain significance for Inborn genetic diseases. Last evaluated: 2025-01-09. Review status: criteria provided, single submitter. Criteria: Ambry Variant Classification Scheme 2023. Collection method: clinical testing. Allele origin: germline.

Labcorp Genetics (formerly Invitae), Labcorp
Classification: Uncertain significance for D-2-hydroxyglutaric aciduria 1. Last evaluated: 2022-09-01. Review status: criteria provided, single submitter. Criteria: Invitae Variant Classification Sherloc (09022015). Collection method: clinical testing. Allele origin: germline.
Comment: ClinVar contains an entry for this variant (Variation ID: 1381995). This variant has not been reported in the literature in individuals affected with D2HGDH-related conditions. This variant is present in population databases (rs148920052, gnomAD 0.02%). This sequence change replaces alanine, which is neutral and non-polar, with threonine, which is neutral and polar, at codon 278 of the D2HGDH protein (p.Ala278Thr). Algorithms developed to predict the effect of missense changes on protein structure and function (SIFT, PolyPhen-2, Align-GVGD) all suggest that this variant is likely to be tolerated. In summary, the available evidence is currently insufficient to determine the role of this variant in disease. Therefore, it has been classified as a Variant of Uncertain Significance.